The following is an entry in ClinVar:

NM_004370.6(COL12A1):c.1832A>G (p.Glu611Gly)

Gene: COL12A1 (collagen type XII alpha 1 chain; minus strand). Cytogenetic location: 6q13.
Variant type: single nucleotide variant.
Coding change: c.1832A>G on transcript NM_004370.6 (MANE Select); coding-DNA position 1832, A replaced by G.
Protein change: p.Glu611Gly; replaces glutamic acid 611 with glycine.
Molecular consequence: missense variant. On other transcripts: intron variant (1).
Genome position (GRCh38, 1-based): chr6:75,183,109, T>C on the plus strand (A>G on the coding strand, the complement: COL12A1 is on the minus strand). VCF-style: chr6-75183109-T-C. GRCh37 (hg19) VCF-style: chr6-75892825-T-C.
Other names: c.73+19611A>G (NM_080645.3); short protein forms E611G.
Identifiers: ClinVar variation 2440241 (VCV002440241.6), dbSNP rs1244301771, ClinGen allele CA364768518.

ClinVar aggregate classification (germline): Uncertain significance. Review status: criteria provided, multiple submitters, no conflicts (2 of 4 stars). 2 submissions from 2 submitters: Uncertain significance (2). Last evaluated 2023-05-24.

Conditions:
Bethlem myopathy 2 (BTHLM2). Identifiers: Orphanet 536516, Orphanet 610, MedGen C4225313, MONDO:0034022, OMIM 616471.
Ullrich congenital muscular dystrophy 2 (UCMD2). Identifiers: Orphanet 75840, MedGen C4225314, MONDO:0014654, OMIM 616470.

Allele frequency attached by ClinVar (database versions not stated): gnomAD exomes 0.00001.
gnomAD v4.1: 3 of 1,614,130 alleles (0.00019%); highest among the groups gnomAD compares: South Asian, 0.0033%; no homozygotes.

Submissions (2):

Labcorp Genetics (formerly Invitae), Labcorp
Classification: Uncertain significance for Bethlem myopathy 2; Ullrich congenital muscular dystrophy 2. Last evaluated: 2023-05-24. Review status: criteria provided, single submitter. Criteria: Invitae Variant Classification Sherloc (09022015). Collection method: clinical testing. Allele origin: germline.
Comment: In summary, the available evidence is currently insufficient to determine the role of this variant in disease. Therefore, it has been classified as a Variant of Uncertain Significance. Advanced modeling of protein sequence and biophysical properties (such as structural, functional, and spatial information, amino acid conservation, physicochemical variation, residue mobility, and thermodynamic stability) has been performed at Invitae for this missense variant, however the output from this modeling did not meet the statistical confidence thresholds required to predict the impact of this variant on COL12A1 protein function. ClinVar contains an entry for this variant (Variation ID: 2440241). This variant has not been reported in the literature in individuals affected with COL12A1-related conditions. This variant is present in population databases (no rsID available, gnomAD 0.003%). This sequence change replaces glutamic acid, which is acidic and polar, with glycine, which is neutral and non-polar, at codon 611 of the COL12A1 protein (p.Glu611Gly).

Revvity Omics, Revvity
Classification: Uncertain significance. Last evaluated: 2019-10-11. Review status: criteria provided, single submitter. Criteria: ACMG Guidelines, 2015. Collection method: clinical testing. Allele origin: germline.